The following is an entry in ClinVar:

NM_001904.4(CTNNB1):c.1782_1783del (p.Thr595fs)

Gene: CTNNB1 (catenin beta 1; plus strand). Cytogenetic location: 3p22.1.
Variant type: Deletion.
Coding change: c.1782_1783del on transcript NM_001904.4 (MANE Select); coding-DNA positions 1782 to 1783, 2 bases deleted (TA; older notation c.1782_1783delTA).
Protein change: p.Thr595fs; shifts the reading frame from threonine 595.
Molecular consequence: frameshift variant.
Genome position (GRCh38, 1-based): chr3:41,235,822-41,235,823, TA deleted; deleting any 2 consecutive bases within chr3:41,235,821-41,235,823 gives the same sequence; the c. name uses the placement nearest the transcript's 3' end. VCF-style (leftmost placement, unchanged base first): chr3-41235820-AAT-A. GRCh37 (hg19) VCF-style: chr3-41277311-AAT-A.
Other names: c.1782_1783del, p.Thr595fs (NM_001098209.2, NM_001098210.2); c.1761_1762del, p.Thr588fs (NM_001330729.2); short protein forms T588fs, T595fs.
Identifiers: ClinVar variation 2227495 (VCV002227495.2), dbSNP rs2470843357, ClinGen allele CA2580069827.
Genomic context (GRCh38, chr3:41,235,820, plus strand): 5'-ACCGGAGCCCTTCACATCCTAGCTCGGGATGTTCACAACCGAATTGTTATCAGAGGACTA[AAT>A]ACCATTCCATTGTTTGTGCAGGTATGTTTTAAGTGAAGTGTTCTAGGTTTTATGTCCATA-3'

ClinVar aggregate classification (germline): Pathogenic (1 of 4 stars; one submission).

Conditions:
Inborn genetic diseases. Identifiers: MedGen C0950123, MeSH D030342.

Submission:

Ambry Genetics
Classification: Pathogenic for Inborn genetic diseases. Last evaluated: 2020-09-03. Review status: criteria provided, single submitter. Criteria: Ambry Variant Classification Scheme 2023. Collection method: clinical testing. Allele origin: germline.
Comment: The c.1782_1783delTA (p.T595Hfs*13) alteration, located in exon 11 (coding exon 10) of the CTNNB1 gene, results from a deletion of 2 nucleotides from position 1782 to 1783, causing a translational frameshift with a predicted alternate stop codon after 13 amino acids. This alteration is expected to result in loss of function by premature protein truncation or nonsense-mediated mRNA decay. The alteration is not observed in population databases:_x000D_ _x000D_ Based on data from the Genome Aggregation Database (gnomAD), the CTNNB1 c.1782_1783delTA alteration was not observed, with coverage at this position. Based on the available evidence, this alteration is classified as pathogenic.